The following is an entry in ClinVar:

NM_000081.4(LYST):c.7327C>T (p.Leu2443Phe)

Gene: LYST (lysosomal trafficking regulator; minus strand). Cytogenetic location: 1q42.3.
Variant type: single nucleotide variant.
Coding change: c.7327C>T on transcript NM_000081.4 (MANE Select); coding-DNA position 7327, C replaced by T.
Protein change: p.Leu2443Phe; replaces leucine 2443 with phenylalanine.
Molecular consequence: missense variant.
Genome position (GRCh38, 1-based): chr1:235,753,177, G>A on the plus strand (C>T on the coding strand, the complement: LYST is on the minus strand). VCF-style: chr1-235753177-G-A. GRCh37 (hg19) VCF-style: chr1-235916477-G-A.
Other names: c.7327C>T, p.Leu2443Phe (NM_001301365.1); short protein forms L2443F.
Identifiers: ClinVar variation 1034047 (VCV001034047.1), dbSNP rs755134245, ClinGen allele CA344932379.

ClinVar aggregate classification (germline): Uncertain significance (1 of 4 stars; one submission).

Conditions:
Chédiak-Higashi syndrome (CHS). Also called: Chediak-Higashi Syndrome. Identifiers: Orphanet 167, MedGen C0007965, MONDO:0008963, OMIM 214500.

Submission:

Baylor Genetics
Classification: Uncertain significance for Chédiak-Higashi syndrome. Last evaluated: 2018-05-08. Review status: criteria provided, single submitter. Criteria: ACMG Guidelines, 2015. Collection method: clinical testing. Allele origin: unknown. Affected: yes.
Comment: This variant was determined to be of uncertain significance according to ACMG Guidelines, 2015 [PMID:25741868].